The following is an entry in ClinVar:

NM_001267550.2(TTN):c.1079G>C (p.Arg360Thr)

Gene: TTN (titin; minus strand). Cytogenetic location: 2q31.2.
Variant type: single nucleotide variant.
Coding change: c.1079G>C on transcript NM_001267550.2 (MANE Select); coding-DNA position 1079, G replaced by C.
Protein change: p.Arg360Thr; replaces arginine 360 with threonine.
Molecular consequence: missense variant.
Genome position (GRCh38, 1-based): chr2:178,795,088, C>G on the plus strand (G>C on the coding strand, the complement: TTN is on the minus strand). VCF-style: chr2-178795088-C-G. GRCh37 (hg19) VCF-style: chr2-179659815-C-G.
Other names: p.R360T:AGA>ACA; c.1079G>C, p.Arg360Thr (NM_001256850.1, NM_133378.4, NM_133432.3 and 3 more transcripts); short protein forms R360T.
Identifiers: ClinVar variation 46587 (VCV000046587.49), dbSNP rs56128843, ClinGen allele CA282666.

ClinVar aggregate classification (germline): Benign/Likely benign. Review status: criteria provided, multiple submitters, no conflicts (2 of 4 stars). 28 submissions from 21 submitters: Benign (17); Likely benign (5). 6 of the submissions do not count toward it. Last evaluated 2026-02-03.

Conditions:
Cardiovascular phenotype. Identifiers: MedGen CN230736.
Dilated cardiomyopathy 1G (CMD1G). Identifiers: Orphanet 154, MedGen C1858763, MONDO:0011400, OMIM 604145.
Autosomal recessive limb-girdle muscular dystrophy type 2J (LGMDR10). Also called: MUSCULAR DYSTROPHY, LIMB-GIRDLE, AUTOSOMAL RECESSIVE 10; Limb-girdle muscular dystrophy, type 2J. Identifiers: Orphanet 140922, MedGen C1837342, MONDO:0012127, OMIM 608807.
Cardiomyopathy (CMYO). Also called: Cardiomyopathies. Identifiers: Orphanet 167848, MedGen C0878544, MONDO:0004994, HP:0001638. Inheritance: Various modes of inheritance.
Early-onset myopathy with fatal cardiomyopathy (CMYO5). Also called: CONGENITAL MYOPATHY 5 WITH CARDIOMYOPATHY; Salih Myopathy. Identifiers: Orphanet 289377, MedGen C2673677, MONDO:0012714, OMIM 611705. Disease mechanism: loss of function.
Myopathy, myofibrillar, 9, with early respiratory failure (MFM9). Also called: Myopathy, distal, with early respiratory failure, autosomal dominant; Hereditary myopathy with early respiratory failure; MYOPATHY, PROXIMAL, WITH EARLY RESPIRATORY MUSCLE INVOLVEMENT; EDSTROM MYOPATHY. Identifiers: Orphanet 178464, Orphanet 34521, MedGen C1863599, MONDO:0011362, OMIM 603689.
Tibial muscular dystrophy (TMD). Also called: Udd Distal Myopathy – Tibial Muscular Dystrophy; Tibial muscular dystrophy, tardive; UDD MYOPATHY. Identifiers: Orphanet 609, MedGen C1838244, MONDO:0010870, OMIM 600334.

Allele frequency attached by ClinVar (database versions not stated): TOPMed 0.00603; gnomAD 0.00552 and 0.00613; ExAC 0.00620; 1000 Genomes Project 30x 0.01265; gnomAD exomes 0.00544 and 0.00286; 1000 Genomes Project 0.01198; ESP Exome Variant Server 0.00623.
gnomAD v4.1: 5,193 of 1,614,054 alleles (0.32%); highest among the groups gnomAD compares: South Asian, 2.2%; 67 homozygotes.

Submissions 1 to 19 of 28:

Labcorp Genetics (formerly Invitae), Labcorp
Classification: Benign for Dilated cardiomyopathy 1G; Autosomal recessive limb-girdle muscular dystrophy type 2J. Last evaluated: 2026-02-03. Review status: criteria provided, single submitter. Criteria: Invitae Variant Classification Sherloc (09022015). Collection method: clinical testing. Allele origin: germline.

ARUP Laboratories, Molecular Genetics and Genomics, ARUP Laboratories
Classification: Benign. Last evaluated: 2025-06-23. Review status: criteria provided, single submitter. Criteria: ARUP Molecular Germline Variant Investigation Process 2024. Collection method: clinical testing. Allele origin: germline.

Molecular Diagnostic Laboratory for Inherited Cardiovascular Disease, Montreal Heart Institute
Classification: Likely benign. Last evaluated: 2025-04-09. Review status: criteria provided, single submitter. Criteria: ACMG Guidelines, 2015. Collection method: clinical testing. Allele origin: germline. Affected: no.

Athena Diagnostics
Classification: Benign. Last evaluated: 2024-05-20. Review status: criteria provided, single submitter. Criteria: Athena Diagnostics Criteria. Collection method: clinical testing. Allele origin: unknown.

Genome-Nilou Lab
Classification: Benign for Autosomal recessive limb-girdle muscular dystrophy type 2J. Last evaluated: 2021-09-10. Review status: criteria provided, single submitter. Criteria: ACMG Guidelines, 2015. Collection method: clinical testing. Allele origin: germline. Affected: no.

Genome-Nilou Lab
Classification: Benign for Myopathy, myofibrillar, 9, with early respiratory failure. Last evaluated: 2021-09-10. Review status: criteria provided, single submitter. Criteria: ACMG Guidelines, 2015. Collection method: clinical testing. Allele origin: germline. Affected: no.

Genome-Nilou Lab
Classification: Benign for Early-onset myopathy with fatal cardiomyopathy. Last evaluated: 2021-09-10. Review status: criteria provided, single submitter. Criteria: ACMG Guidelines, 2015. Collection method: clinical testing. Allele origin: germline. Affected: no.

Genome-Nilou Lab
Classification: Benign for Tibial muscular dystrophy. Last evaluated: 2021-09-10. Review status: criteria provided, single submitter. Criteria: ACMG Guidelines, 2015. Collection method: clinical testing. Allele origin: germline. Affected: no.

Women's Health and Genetics/Laboratory Corporation of America, LabCorp
Classification: Benign. Last evaluated: 2019-10-08. Review status: criteria provided, single submitter. Criteria: LabCorp Variant Classification Summary - May 2015. Collection method: clinical testing. Allele origin: germline.
Comment: Variant summary: TTN c.1079G>C (p.Arg360Thr) results in a non-conservative amino acid change located in the Z-disk of the encoded protein sequence. Four of five in-silico tools predict a benign effect of the variant on protein function. The variant allele was found at a frequency of 0.0054 in 251086 control chromosomes, predominantly at a frequency of 0.023 within the South Asian subpopulation in the gnomAD database, including 14 homozygotes. The observed variant frequency within South Asian control individuals in the gnomAD database is approximately 36.79 fold of the estimated maximal expected allele frequency for a pathogenic variant in TTN causing Cardiomyopathy phenotype (0.00063), strongly suggesting that the variant is a benign polymorphism found primarily in populations of South Asian origin. Three clinical diagnostic laboratories have submitted clinical-significance assessments for this variant to ClinVar after 2014 without evidence for independent evaluation. All laboratories classified the variant as benign/likely benign. Based on the evidence outlined above, the variant was classified as benign.

Mayo Clinic Laboratories, Mayo Clinic
Classification: Benign. Last evaluated: 2018-05-14. Review status: criteria provided, single submitter. Criteria: ACMG Guidelines, 2015. Collection method: clinical testing. Allele origin: germline. Observed: 22 variant alleles.

Illumina Laboratory Services, Illumina
Classification: Likely benign for Autosomal recessive limb-girdle muscular dystrophy type 2J. Last evaluated: 2018-01-12. Review status: criteria provided, single submitter. Criteria: ICSL Variant Classification Criteria 13 December 2019. Collection method: clinical testing. Allele origin: germline.
Comment: This variant was observed in the ICSL laboratory as part of a predisposition screen in an ostensibly healthy population. It had not been previously curated by ICSL or reported in the Human Gene Mutation Database (HGMD: prior to June 1st, 2018), and was therefore a candidate for classification through an automated scoring system. Utilizing variant allele frequency, disease prevalence and penetrance estimates, and inheritance mode, an automated score was calculated to assess if this variant is too frequent to cause the disease. Based on the score and internal cut-off values, a variant classified as likely benign is not then subjected to further curation. The score for this variant resulted in a classification of likely benign for this disease.

Illumina Laboratory Services, Illumina
Classification: Benign for Myopathy, myofibrillar, 9, with early respiratory failure. Last evaluated: 2018-01-12. Review status: criteria provided, single submitter. Criteria: ICSL Variant Classification Criteria 13 December 2019. Collection method: clinical testing. Allele origin: germline.
Comment: This variant was observed in the ICSL laboratory as part of a predisposition screen in an ostensibly healthy population. It had not been previously curated by ICSL or reported in the Human Gene Mutation Database (HGMD: prior to June 1st, 2018), and was therefore a candidate for classification through an automated scoring system. Utilizing variant allele frequency, disease prevalence and penetrance estimates, and inheritance mode, an automated score was calculated to assess if this variant is too frequent to cause the disease. Based on the score and internal cut-off values, a variant classified as benign is not then subjected to further curation. The score for this variant resulted in a classification of benign for this disease.

Illumina Laboratory Services, Illumina
Classification: Likely benign for Early-onset myopathy with fatal cardiomyopathy. Last evaluated: 2018-01-12. Review status: criteria provided, single submitter. Criteria: ICSL Variant Classification Criteria 13 December 2019. Collection method: clinical testing. Allele origin: germline.
Comment: the same text as in the submission from Illumina Laboratory Services, Illumina above.

Illumina Laboratory Services, Illumina
Classification: Likely benign for Dilated cardiomyopathy 1G. Last evaluated: 2018-01-12. Review status: criteria provided, single submitter. Criteria: ICSL Variant Classification Criteria 13 December 2019. Collection method: clinical testing. Allele origin: germline.
Comment: the same text as in the submission from Illumina Laboratory Services, Illumina above.

Illumina Laboratory Services, Illumina
Classification: Benign for Tibial muscular dystrophy. Last evaluated: 2018-01-12. Review status: criteria provided, single submitter. Criteria: ICSL Variant Classification Criteria 13 December 2019. Collection method: clinical testing. Allele origin: germline.
Comment: the same text as in the submission from Illumina Laboratory Services, Illumina above.

CHEO Genetics Diagnostic Laboratory, Children's Hospital of Eastern Ontario
Classification: Benign for Cardiomyopathy. Last evaluated: 2017-02-22. Review status: criteria provided, single submitter. Criteria: ACMG Guidelines, 2015. Collection method: clinical testing. Allele origin: germline. Study: Canadian Open Genetics Repository.

GeneDx
Classification: Benign. Last evaluated: 2014-02-17. Review status: criteria provided, single submitter. Criteria: GeneDx Variant Classification (06012015). Collection method: clinical testing. Allele origin: germline. Affected: yes.
Comment: This variant is considered likely benign or benign based on one or more of the following criteria: it is a conservative change, it occurs at a poorly conserved position in the protein, it is predicted to be benign by multiple in silico algorithms, and/or has population frequency not consistent with disease.

Eurofins Ntd Llc (ga)
Classification: Benign. Last evaluated: 2013-10-17. Review status: criteria provided, single submitter. Criteria: EGL Classification Definitions 2015. Collection method: clinical testing. Allele origin: germline. Observed: 1 variant allele, 1 heterozygote.

Ambry Genetics
Classification: Benign for Cardiovascular phenotype. Last evaluated: 2013-07-05. Review status: criteria provided, single submitter. Criteria: Ambry Autosomal Dominant and X-Linked criteria (10/2015). Collection method: clinical testing. Allele origin: germline. Observed: 1 variant allele.